The following continues an entry in ClinVar:

NM_172107.4(KCNQ2):c.1004C>T (p.Pro335Leu)

Gene: KCNQ2. ClinVar aggregate classification (germline): Pathogenic/Likely pathogenic. Pathogenic (9); Likely pathogenic (1).

Submissions 10 to 16 of 16:

Groupe Hospitalier Pitie Salpetriere, Uf Genomique Du Developpement, Assistance Publique Hopitaux de Paris Sorbonne Université
Classification: Likely pathogenic for Moderate intellectual disability; Seizure; Epicanthus; Autistic behavior; Abnormal facial shape. Review status: criteria provided, single submitter. Criteria: ACMG Guidelines, 2015. Collection method: clinical testing. Allele origin: de novo. Inheritance: Autosomal dominant inheritance. Affected: yes. Observed: 1 heterozygote.

Channelopathy-Associated Epilepsy Research Center
No classification provided (evidence only). Condition: Complex neurodevelopmental disorder. Review status: no classification provided. Collection method: literature only. Allele origin: not applicable. Functional consequence: Severe decrease in peak current, Severe slowing of activation, Severe hyperpolarizing shift of voltage dependence of activation. Not counted in ClinVar's aggregate classification.
ClinVar note: "not provided" was previously submitted as the classification for the variant. However, the classification appeared to be based only on an observation of functional data so it was converted to no classification on 2025-07-30.

Channelopathy-Associated Epilepsy Research Center
No classification provided (evidence only). Review status: no classification provided. Collection method: in vitro. Allele origin: not applicable. Functional consequence: Normal rate of activation. Not counted in ClinVar's aggregate classification.

Channelopathy-Associated Epilepsy Research Center
No classification provided (evidence only). Review status: no classification provided. Collection method: in vitro. Allele origin: not applicable. Functional consequence: Normal peak current. Not counted in ClinVar's aggregate classification.

Channelopathy-Associated Epilepsy Research Center
No classification provided (evidence only). Review status: no classification provided. Collection method: in vitro. Allele origin: not applicable. Functional consequence: Normal peak current. Not counted in ClinVar's aggregate classification.

Channelopathy-Associated Epilepsy Research Center
No classification provided (evidence only). Review status: no classification provided. Collection method: in vitro. Allele origin: not applicable. Functional consequence: Hyperpolarizing shift of voltage dependence of activation. Not counted in ClinVar's aggregate classification.

Channelopathy-Associated Epilepsy Research Center
No classification provided (evidence only). Review status: no classification provided. Collection method: in vitro. Allele origin: not applicable. Functional consequence: Normal slope of activation. Not counted in ClinVar's aggregate classification.

Literature cited by the submitters: PubMed 25533962 (cited by Genelabs Medical  (pvt) Ltd and Labcorp Genetics (formerly Invitae), Labcorp); PubMed 28867141 (cited by Genelabs Medical  (pvt) Ltd and Labcorp Genetics (formerly Invitae), Labcorp); PubMed 20437616 (cited by Victorian Clinical Genetics Services, Murdoch Childrens Research Institute); PubMed 21937445 (cited by Victorian Clinical Genetics Services, Murdoch Childrens Research Institute); PubMed 25959266 (cited by Victorian Clinical Genetics Services, Murdoch Childrens Research Institute); PubMed 31418850 (cited by Victorian Clinical Genetics Services, Murdoch Childrens Research Institute); PubMed 33754465 (cited by Victorian Clinical Genetics Services, Murdoch Childrens Research Institute); PubMed 35104249 (cited by Channelopathy-Associated Epilepsy Research Center).